The following is an entry in ClinVar:

ClinVar aggregate classification (germline): Benign. Review status: criteria provided, multiple submitters, no conflicts (2 of 4 stars). 5 submissions from 5 submitters: Benign (5). Last evaluated 2026-01-28.

Conditions:
Autosomal recessive distal spinal muscular atrophy 1. Also called: HMN VI; NEURONOPATHY, SEVERE INFANTILE AXONAL, WITH RESPIRATORY FAILURE; SEVERE INFANTILE AXONAL NEUROPATHY WITH RESPIRATORY FAILURE; SPINAL MUSCULAR ATROPHY, DIAPHRAGMATIC; Spinal muscular atrophy with respiratory distress 1; NEURONOPATHY, DISTAL HEREDITARY MOTOR, HARDING TYPE VI. Identifiers: Orphanet 98920, MedGen C1858517, MONDO:0011436, OMIM 604320.
Charcot-Marie-Tooth disease axonal type 2S. Also called: CHARCOT-MARIE-TOOTH NEUROPATHY, TYPE 2S; CHARCOT-MARIE-TOOTH DISEASE, AXONAL, AUTOSOMAL RECESSIVE, TYPE 2S. Identifiers: Orphanet 443073, MedGen C4015349, MONDO:0014511, OMIM 616155.

Allele frequency attached by ClinVar (database versions not stated): gnomAD exomes 0.00046 and 0.00139; ExAC 0.00340; gnomAD 0.00512 and 0.00540; TOPMed 0.00590; ESP Exome Variant Server 0.00608; 1000 Genomes Project 0.00779; 1000 Genomes Project 30x 0.00843.
gnomAD v4.1: 1,467 of 1,600,044 alleles (0.092%); highest among the groups gnomAD compares: African/African-American, 1.8%; 14 homozygotes.

Submissions (8):

Labcorp Genetics (formerly Invitae), Labcorp
Classification: Benign for Autosomal recessive distal spinal muscular atrophy 1; Charcot-Marie-Tooth disease axonal type 2S. Last evaluated: 2026-01-28. Review status: criteria provided, single submitter. Criteria: Invitae Variant Classification Sherloc (09022015). Collection method: clinical testing. Allele origin: germline.

GeneDx
Classification: Benign. Last evaluated: 2018-04-30. Review status: criteria provided, single submitter. Criteria: GeneDx Variant Classification (06012015). Collection method: clinical testing. Allele origin: germline. Affected: yes.
Comment: This variant is considered likely benign or benign based on one or more of the following criteria: it is a conservative change, it occurs at a poorly conserved position in the protein, it is predicted to be benign by multiple in silico algorithms, and/or has population frequency not consistent with disease.

Illumina Laboratory Services, Illumina
Classification: Benign for Autosomal recessive distal spinal muscular atrophy 1. Last evaluated: 2018-01-13. Review status: criteria provided, single submitter. Criteria: ICSL Variant Classification Criteria 13 December 2019. Collection method: clinical testing. Allele origin: germline.
Comment: This variant was observed in the ICSL laboratory as part of a predisposition screen in an ostensibly healthy population. It had not been previously curated by ICSL or reported in the Human Gene Mutation Database (HGMD: prior to June 1st, 2018), and was therefore a candidate for classification through an automated scoring system. Utilizing variant allele frequency, disease prevalence and penetrance estimates, and inheritance mode, an automated score was calculated to assess if this variant is too frequent to cause the disease. Based on the score and internal cut-off values, a variant classified as benign is not then subjected to further curation. The score for this variant resulted in a classification of benign for this disease.

Breakthrough Genomics
Classification: Benign. Review status: criteria provided, single submitter. Criteria: ACMG Guidelines, 2015. Collection method: not provided. Allele origin: germline. Inheritance: Autosomal recessive inheritance. Affected: yes.

PreventionGenetics, part of Exact Sciences
Classification: Benign. Review status: criteria provided, single submitter. Criteria: ACMG Guidelines, 2015. Collection method: clinical testing. Allele origin: germline.

Dr. Peter K. Rogan Lab, Western University
No classification provided (evidence only). Condition: Uterine corpus endometrial carcinoma. Review status: no classification provided. Collection method: in vitro. Allele origin: not applicable. Functional consequence: retained intron. Not counted in ClinVar's aggregate classification.

Dr. Peter K. Rogan Lab, Western University
No classification provided (evidence only). Condition: Cervical cancer. Review status: no classification provided. Collection method: in vitro. Allele origin: not applicable. Functional consequence: retained intron. Not counted in ClinVar's aggregate classification.

Dr. Peter K. Rogan Lab, Western University
No classification provided (evidence only). Condition: Malignant lymphoma, large B-cell, diffuse. Review status: no classification provided. Collection method: in vitro. Allele origin: not applicable. Functional consequence: retained intron. Not counted in ClinVar's aggregate classification.

NM_002180.3(IGHMBP2):c.1538-8C>G

Genes: IGHMBP2 (immunoglobulin mu DNA binding protein 2; plus strand), LOC126861245 (CDK7 strongly-dependent group 2 enhancer GRCh37_chr11:68701479-68702678; plus strand). Cytogenetic location: 11q13.3.
Variant type: single nucleotide variant.
Coding change: c.1538-8C>G on transcript NM_002180.3 (MANE Select); 8 bases into the intron before coding-DNA position 1538, C replaced by G.
Molecular consequence: intron variant.
Genome position (GRCh38, 1-based): chr11:68,934,456, C>G. VCF-style: chr11-68934456-C-G. GRCh37 (hg19) VCF-style: chr11-68701924-C-G.
Identifiers: ClinVar variation 258559 (VCV000258559.18), dbSNP rs115320302, ClinGen allele CA6153692.